The following is an entry in ClinVar:

NM_138576.4(BCL11B):c.562G>A (p.Ala188Thr)

Gene: BCL11B (BCL11 transcription factor B; minus strand). Cytogenetic location: 14q32.2.
Variant type: single nucleotide variant.
Coding change: c.562G>A on transcript NM_138576.4 (MANE Select); coding-DNA position 562, G replaced by A.
Protein change: p.Ala188Thr; replaces alanine 188 with threonine.
Molecular consequence: missense variant. On other transcripts: intron variant (2).
Genome position (GRCh38, 1-based): chr14:99,231,423, C>T on the plus strand (G>A on the coding strand, the complement: BCL11B is on the minus strand). VCF-style: chr14-99231423-C-T. GRCh37 (hg19) VCF-style: chr14-99697760-C-T.
Other names: c.559G>A, p.Ala187Thr (NM_001282237.2); c.424+26048G>A (NM_001282238.2); c.427+26048G>A (NM_022898.3); c.562G>A (NM_138576.3); short protein forms A187T, A188T.
Identifiers: ClinVar variation 2421402 (VCV002421402.7), dbSNP rs2139891348, ClinGen allele CA390937275.

ClinVar aggregate classification (germline): Uncertain significance. Review status: criteria provided, multiple submitters, no conflicts (2 of 4 stars). 2 submissions from 2 submitters: Uncertain significance (2). Last evaluated 2025-10-16.

Allele frequency attached by ClinVar (database versions not stated): gnomAD exomes 0.00002.
gnomAD v4.1: 26 of 1,595,196 alleles (0.0016%); highest among the groups gnomAD compares: South Asian, 0.0023%; 1 homozygote.

Submissions (2):

Labcorp Genetics (formerly Invitae), Labcorp
Classification: Uncertain significance. Last evaluated: 2025-10-16. Review status: criteria provided, single submitter. Criteria: Invitae Variant Classification Sherloc (09022015). Collection method: clinical testing. Allele origin: germline.
Comment: This sequence change replaces alanine, which is neutral and non-polar, with threonine, which is neutral and polar, at codon 188 of the BCL11B protein (p.Ala188Thr). This variant is not present in population databases (gnomAD no frequency). This variant has not been reported in the literature in individuals affected with BCL11B-related conditions. ClinVar contains an entry for this variant (Variation ID: 2421402). Invitae Evidence Modeling of protein sequence and biophysical properties (such as structural, functional, and spatial information, amino acid conservation, physicochemical variation, residue mobility, and thermodynamic stability) indicates that this missense variant is not expected to disrupt BCL11B protein function with a negative predictive value of 95%. In summary, the available evidence is currently insufficient to determine the role of this variant in disease. Therefore, it has been classified as a Variant of Uncertain Significance.

GeneDx
Classification: Uncertain significance. Last evaluated: 2023-04-09. Review status: criteria provided, single submitter. Criteria: GeneDx Variant Classification Process June 2021. Collection method: clinical testing. Allele origin: germline. Affected: yes.
Comment: Has not been previously published as pathogenic or benign to our knowledge; Not observed at significant frequency in large population cohorts (gnomAD); In silico analysis supports that this missense variant does not alter protein structure/function; De novo variant with confirmed parentage, but the reported clinical features are not consistent with the features typically observed in individuals with variants in the BCL11B gene